The following is an entry in ClinVar:

ClinVar aggregate classification (germline): Benign/Likely benign. Review status: criteria provided, multiple submitters, no conflicts (2 of 4 stars). 3 submissions from 3 submitters: Benign (1); Likely benign (2). Last evaluated 2025-02-14.

Conditions:
Fanconi anemia complementation group O. Also called: RAD51C-Related Fanconi Anemia. Identifiers: Orphanet 84, MedGen C3150653, MONDO:0013248, OMIM 613390.
Hereditary cancer-predisposing syndrome. Also called: Hereditary neoplastic syndrome; Neoplastic Syndromes, Hereditary; Tumor predisposition; Hereditary Cancer Syndrome. Identifiers: Orphanet 140162, MedGen C0027672, MeSH D009386, MONDO:0015356.
Breast-ovarian cancer, familial, susceptibility to, 3. Also called: RAD51C-Related Breast/Ovarian Cancer. Identifiers: Orphanet 145, MedGen C3150659, MONDO:0013253, OMIM 613399.

Allele frequency attached by ClinVar (database versions not stated): gnomAD exomes below 0.00001 and 0.00001.
gnomAD v4.1: 2 of 1,614,110 alleles (0.00012%); highest among the groups gnomAD compares: Admixed American, 0.0033%; no homozygotes.

Submissions (3):

Myriad Genetics, Inc.
Classification: Benign for Breast-ovarian cancer, familial, susceptibility to, 3. Last evaluated: 2025-02-14. Review status: criteria provided, single submitter. Criteria: Myriad Autosomal Dominant, Autosomal Recessive and X-Linked Classification Criteria (2023). Collection method: clinical testing. Allele origin: unknown.
Comment: This variant is considered benign. This variant is a silent/synonymous amino acid change and it is not expected to impact splicing.

Labcorp Genetics (formerly Invitae), Labcorp
Classification: Likely benign for Fanconi anemia complementation group O. Last evaluated: 2024-04-22. Review status: criteria provided, single submitter. Criteria: Invitae Variant Classification Sherloc (09022015). Collection method: clinical testing. Allele origin: germline.

Ambry Genetics
Classification: Likely benign for Hereditary cancer-predisposing syndrome. Last evaluated: 2017-09-01. Review status: criteria provided, single submitter. Criteria: Ambry Variant Classification Scheme 2023. Collection method: clinical testing. Allele origin: germline.

NM_058216.3(RAD51C):c.276G>A (p.Glu92=)

Gene: RAD51C (RAD51 paralog C; plus strand). Cytogenetic location: 17q22.
Variant type: single nucleotide variant.
Coding change: c.276G>A on transcript NM_058216.3 (MANE Select); coding-DNA position 276, G replaced by A.
Protein change: p.Glu92=; no amino-acid change (glutamic acid 92 retained).
Molecular consequence: synonymous variant. On other transcripts: non-coding transcript variant (2).
Genome position (GRCh38, 1-based): chr17:58,695,061, G>A. VCF-style: chr17-58695061-G-A. GRCh37 (hg19) VCF-style: chr17-56772422-G-A.
Other names: c.276G>A, p.Glu92= (NM_002876.4).
Identifiers: ClinVar variation 484761 (VCV000484761.11), dbSNP rs1217274682, ClinGen allele CA501074642.